The following is an entry in ClinVar:

ClinVar aggregate classification (germline): Pathogenic (1 of 4 stars; one submission).

Conditions:
Arrhythmogenic right ventricular dysplasia 8 (ARVD8). Also called: ARRHYTHMOGENIC RIGHT VENTRICULAR DYSPLASIA, FAMILIAL, 8; ARRHYTHMOGENIC RIGHT VENTRICULAR CARDIOMYOPATHY 8; Arrhythmogenic Right Ventricular Dysplasia/Cardiomyopathy 8. Identifiers: MedGen C1843896, MONDO:0011831, OMIM 607450.
Arrhythmogenic cardiomyopathy with wooly hair and keratoderma. Also called: PALMOPLANTAR KERATODERMA WITH LEFT VENTRICULAR CARDIOMYOPATHY AND WOOLLY HAIR; Carvajal syndrome; Dilated cardiomyopathy with woolly hair and keratoderma; Arrhythmogenic cardiomyopathy with woolly hair and keratoderma. Identifiers: Orphanet 65282, MedGen C1854063, MONDO:0011581, OMIM 605676.

Submission:

Labcorp Genetics (formerly Invitae), Labcorp
Classification: Pathogenic for Arrhythmogenic cardiomyopathy with wooly hair and keratoderma; Arrhythmogenic right ventricular dysplasia 8. Last evaluated: 2021-11-11. Review status: criteria provided, single submitter. Criteria: Invitae Variant Classification Sherloc (09022015). Collection method: clinical testing. Allele origin: germline.
Comment: This sequence change creates a premature translational stop signal (p.Glu1982*) in the DSP gene. While this is not anticipated to result in nonsense mediated decay, it is expected to disrupt the last 890 amino acid(s) of the DSP protein. This variant is not present in population databases (gnomAD no frequency). This variant has not been reported in the literature in individuals affected with DSP-related conditions. This variant disrupts a region of the DSP protein in which other variant(s) (p.Glu2728Glyfs*11) have been determined to be pathogenic (Invitae). This suggests that this is a clinically significant region of the protein, and that variants that disrupt it are likely to be disease-causing. For these reasons, this variant has been classified as Pathogenic.

NM_004415.4(DSP):c.5943dup (p.Glu1982Ter)

Gene: DSP (desmoplakin; plus strand). Cytogenetic location: 6p24.3.
Variant type: Duplication.
Coding change: c.5943dup on transcript NM_004415.4 (MANE Select); coding-DNA position 5943, one base duplicated (T; older notation c.5943dupT).
Protein change: p.Glu1982Ter; replaces glutamic acid 1982 with a stop codon.
Molecular consequence: nonsense.
Genome position (GRCh38, 1-based): chr6:7,583,205, T duplicated. VCF-style (leftmost placement, unchanged base first): chr6-7583204-A-AT. GRCh37 (hg19) VCF-style: chr6-7583437-A-AT.
Other names: c.4146dup, p.Glu1383Ter (NM_001008844.3); c.4614dup, p.Glu1539Ter (NM_001319034.2); short protein forms E1539*, E1383*, E1982*.
Identifiers: ClinVar variation 1429061 (VCV001429061.6), dbSNP rs2113699152, ClinGen allele CA2573140814.